The following is an entry in ClinVar:

ClinVar aggregate classification (germline): Likely benign (1 of 4 stars; one submission).

Conditions:
Long QT syndrome (LQTS). Identifiers: MedGen C0023976, MeSH D008133, MONDO:0002442. Disease mechanism: loss of function. Inheritance: Various modes of inheritance.

Allele frequency attached by ClinVar (database versions not stated): gnomAD exomes below 0.00001; TOPMed below 0.00001.
gnomAD v4.1: 4 of 1,549,776 alleles (0.00026%); highest among the groups gnomAD compares: Non-Finnish European, 0.00035%; no homozygotes.

Submission:

All of Us Research Program, National Institutes of Health
Classification: Likely benign for Long QT syndrome. Last evaluated: 2023-11-30. Review status: criteria provided, single submitter. Criteria: ACMG Guidelines, 2015. Collection method: clinical testing. Allele origin: germline. Inheritance: Autosomal dominant inheritance. Observed: 3 variant alleles, 2 heterozygotes, 1 homozygote.
Comment: This study involves interpretation of variants in research participants for the purpose of population health screening. Participant phenotype was not available at the time of variant classification. Additional details can be found in publication PMID: 35346344, PMCID: PMC8962531

NM_000218.3(KCNQ1):c.2010G>A (p.Arg670=)

Genes: KCNQ1 (potassium voltage-gated channel subfamily Q member 1; plus strand), KCNQ1-AS1 (KCNQ1 antisense RNA 1; minus strand). Cytogenetic location: 11p15.4.
Variant type: single nucleotide variant.
Coding change: c.2010G>A on transcript NM_000218.3 (MANE Select); coding-DNA position 2010, G replaced by A.
Protein change: p.Arg670=; no amino-acid change (arginine 670 retained).
Molecular consequence: synonymous variant.
Genome position (GRCh38, 1-based): chr11:2,847,982, G>A. VCF-style: chr11-2847982-G-A. GRCh37 (hg19) VCF-style: chr11-2869212-G-A.
Other names: c.1914G>A, p.Arg638= (NM_001406836.1); c.1740G>A, p.Arg580= (NM_001406837.1); c.1470G>A, p.Arg490= (NM_001406838.1); c.522G>A, p.Arg174= (NM_001406839.1); c.1629G>A, p.Arg543= (NM_181798.2).
Identifiers: ClinVar variation 3070840 (VCV003070840.1), dbSNP rs1848370325, ClinGen allele CA472467362.